The following is an entry in ClinVar:

NM_001127208.3(TET2):c.5437C>T (p.Gln1813Ter)

Genes: TET2 (tet methylcytosine dioxygenase 2; plus strand), TET2-AS1 (TET2 antisense RNA 1; minus strand). Cytogenetic location: 4q24.
Variant type: single nucleotide variant.
Coding change: c.5437C>T on transcript NM_001127208.3 (MANE Select); coding-DNA position 5437, C replaced by T.
Protein change: p.Gln1813Ter; replaces glutamine 1813 with a stop codon.
Molecular consequence: nonsense.
Genome position (GRCh38, 1-based): chr4:105,275,947, C>T. VCF-style: chr4-105275947-C-T. GRCh37 (hg19) VCF-style: chr4-106197104-C-T.
Other names: short protein forms Q1813*.
Identifiers: ClinVar variation 4735057 (VCV004735057.1).

ClinVar aggregate classification (germline): Uncertain significance (1 of 4 stars; one submission).

Submission:

Labcorp Genetics (formerly Invitae), Labcorp
Classification: Uncertain significance. Last evaluated: 2026-01-18. Review status: criteria provided, single submitter. Criteria: Invitae Variant Classification Sherloc (09022015). Collection method: clinical testing. Allele origin: germline.
Comment: This sequence change creates a premature translational stop signal (p.Gln1813*) in the TET2 gene. While this is not anticipated to result in nonsense mediated decay, it is expected to disrupt the last 190 amino acid(s) of the TET2 protein. This variant is not present in population databases (gnomAD no frequency). This variant has not been reported in the literature in individuals affected with TET2-related conditions. Experimental studies and prediction algorithms are not available or were not evaluated, and the functional significance of this variant is currently unknown. In summary, the available evidence is currently insufficient to determine the role of this variant in disease. Therefore, it has been classified as a Variant of Uncertain Significance.